The following is an entry in ClinVar:

NM_032776.3(JMJD1C):c.368G>C (p.Ser123Thr)

Gene: JMJD1C (jumonji domain containing 1C; minus strand). Cytogenetic location: 10q21.3.
Variant type: single nucleotide variant.
Coding change: c.368G>C on transcript NM_032776.3 (MANE Select); coding-DNA position 368, G replaced by C.
Protein change: p.Ser123Thr; replaces serine 123 with threonine.
Molecular consequence: missense variant. On other transcripts: 5 prime UTR variant (5), intron variant (1).
Genome position (GRCh38, 1-based): chr10:63,264,730, C>G on the plus strand (G>C on the coding strand, the complement: JMJD1C is on the minus strand). VCF-style: chr10-63264730-C-G. GRCh37 (hg19) VCF-style: chr10-65024490-C-G.
Other names: c.-179G>C (NM_001282948.2, NM_001318154.2); c.-501G>C (NM_001318153.2); c.-184G>C (NM_001322254.2, NM_001322258.2); c.334-44747G>C (NM_001322252.2); short protein forms S123T.
Identifiers: ClinVar variation 4987845 (VCV004987845.1).

ClinVar aggregate classification (germline): Uncertain significance (1 of 4 stars; one submission).

Conditions:
JMJD1C-related disorder. Also called: JMJD1C-related condition.

gnomAD v4.1: 2 of 1,596,340 alleles (0.00013%); highest among the groups gnomAD compares: East Asian, 0.0023%; no homozygotes.

Submission:

PreventionGenetics, part of Exact Sciences
Classification: Uncertain significance for JMJD1C-related condition. Last evaluated: 2025-09-09. Review status: criteria provided, single submitter. Criteria: ACMG Guidelines, 2015. Collection method: clinical testing. Allele origin: germline.
Comment: The JMJD1C c.368G>C variant is predicted to result in the amino acid substitution p.Ser123Thr. This variant has been reported in the de novo state in two individuals, one from a congenital heart disease cohort (Supplementary table 6, Kosmicki et al. 2017. PubMed ID: 28191890) and one from a heterotaxy cohort (Supplementary table 2, Edwards et al. 2020. PubMed ID: 32368696). This variant has not been reported in a large population database (gnomAD), indicating this variant is rare. At this time, the clinical significance of this variant is uncertain due to the absence of conclusive functional and genetic evidence.